The following is an entry in ClinVar:

ClinVar aggregate classification (germline): Benign/Likely benign. Review status: criteria provided, multiple submitters, no conflicts (2 of 4 stars). 4 submissions from 4 submitters: Benign (1); Likely benign (3). Last evaluated 2025-12-15.

Conditions:
Hereditary cancer-predisposing syndrome. Also called: Hereditary Cancer Syndrome; Neoplastic Syndromes, Hereditary; Tumor predisposition; Hereditary neoplastic syndrome. Identifiers: Orphanet 140162, MedGen C0027672, MeSH D009386, MONDO:0015356.
Classic or attenuated familial adenomatous polyposis. Identifiers: MedGen CN372698, MONDO:0021057.
Familial adenomatous polyposis 1 (FAP1). Also called: FAMILIAL ADENOMATOUS POLYPOSIS 1, ATTENUATED; POLYPOSIS, ADENOMATOUS INTESTINAL. Identifiers: MedGen C2713442, MONDO:0021056, OMIM 175100. Disease mechanism: loss of function.

Allele frequency attached by ClinVar (database versions not stated): gnomAD exomes below 0.00001; gnomAD 0.00001; TOPMed 0.00001.
gnomAD v4.1: 3 of 1,614,038 alleles (0.00019%); highest among the groups gnomAD compares: African/African-American, 0.004%; no homozygotes.

Submissions (4):

Labcorp Genetics (formerly Invitae), Labcorp
Classification: Likely benign for Familial adenomatous polyposis 1. Last evaluated: 2025-12-15. Review status: criteria provided, single submitter. Criteria: Invitae Variant Classification Sherloc (09022015). Collection method: clinical testing. Allele origin: germline.

Myriad Genetics, Inc.
Classification: Benign for Familial adenomatous polyposis 1. Last evaluated: 2024-03-28. Review status: criteria provided, single submitter. Criteria: Myriad Autosomal Dominant, Autosomal Recessive and X-Linked Classification Criteria (2023). Collection method: clinical testing. Allele origin: unknown.
Comment: This variant is considered benign. This variant is a silent/synonymous amino acid change and it is not expected to impact splicing.

All of Us Research Program, National Institutes of Health
Classification: Likely benign for Classic or attenuated familial adenomatous polyposis. Last evaluated: 2024-03-24. Review status: criteria provided, single submitter. Criteria: ACMG Guidelines, 2015. Collection method: clinical testing. Allele origin: germline. Inheritance: Autosomal dominant inheritance. Observed: 1 variant allele, 1 heterozygote.
Comment: This study involves interpretation of variants in research participants for the purpose of population health screening. Participant phenotype was not available at the time of variant classification. Additional details can be found in publication PMID: 35346344, PMCID: PMC8962531

Ambry Genetics
Classification: Likely benign for Hereditary cancer-predisposing syndrome. Last evaluated: 2020-01-28. Review status: criteria provided, single submitter. Criteria: Ambry Variant Classification Scheme 2023. Collection method: clinical testing. Allele origin: germline.

NM_000038.6(APC):c.4899A>C (p.Thr1633=)

Gene: APC (APC regulator of Wnt signaling pathway; plus strand). Cytogenetic location: 5q22.2.
Variant type: single nucleotide variant.
Coding change: c.4899A>C on transcript NM_000038.6 (MANE Select); coding-DNA position 4899, A replaced by C.
Protein change: p.Thr1633=; no amino-acid change (threonine 1633 retained).
Molecular consequence: synonymous variant. On other transcripts: non-coding transcript variant (2).
Genome position (GRCh38, 1-based): chr5:112,840,493, A>C. VCF-style: chr5-112840493-A-C. GRCh37 (hg19) VCF-style: chr5-112176190-A-C.
Other names: c.4899A>C, p.Thr1633= (NM_001127510.3, NM_001354895.2, NM_001407450.1); c.4845A>C, p.Thr1615= (NM_001127511.3); c.4953A>C, p.Thr1651= (NM_001354896.2, NM_001407447.1, NM_001407448.1 and 1 more transcripts); c.4929A>C, p.Thr1643= (NM_001354897.2); c.4824A>C, p.Thr1608= (NM_001354898.2); c.4815A>C, p.Thr1605= (NM_001354899.2); c.4776A>C, p.Thr1592= (NM_001354900.2); c.4722A>C, p.Thr1574= (NM_001354901.2, NM_001407453.1); and 11 more.
Identifiers: ClinVar variation 1743885 (VCV001743885.8), dbSNP rs926773764, ClinGen allele CA125167792.